The following is an entry in ClinVar:

ClinVar aggregate classification (germline): Uncertain significance. Review status: criteria provided, multiple submitters, no conflicts (2 of 4 stars). 5 submissions from 5 submitters: Uncertain significance (5). Last evaluated 2026-03-23.

Conditions:
Hereditary sensory neuropathy-deafness-dementia syndrome. Also called: HSN IE; Hereditary Sensory and Autonomic Neuropathy Type 1E (HSAN1E); Hereditary sensory neuropathy type IE; NEUROPATHY, HEREDITARY SENSORY, WITH HEARING LOSS AND DEMENTIA. Identifiers: Orphanet 456318, MedGen C3279885, MONDO:0013584, OMIM 614116.
DNMT1-related disorder. Also called: DNMT1-related condition. Identifiers: MedGen CN381527.
Inborn genetic diseases. Identifiers: MedGen C0950123, MeSH D030342.
Autosomal dominant cerebellar ataxia, deafness and narcolepsy. Also called: Autosomal Dominant Cerebellar Ataxia, Deafness, and Narcolepsy (ADCA-DN). Identifiers: Orphanet 314404, MedGen C4302668, MONDO:0011397, OMIM 604121.

Allele frequency attached by ClinVar (database versions not stated): gnomAD exomes below 0.00001 and 0.00001; ExAC 0.00001; gnomAD 0.00001; TOPMed 0.00001.
gnomAD v4.1: 5 of 1,608,246 alleles (0.00031%); highest among the groups gnomAD compares: Non-Finnish European, 0.00043%; no homozygotes.

Submissions (5):

PreventionGenetics, part of Exact Sciences
Classification: Uncertain significance for DNMT1-related condition. Last evaluated: 2026-03-23. Review status: criteria provided, single submitter. Criteria: ACMG Guidelines, 2015. Collection method: clinical testing. Allele origin: germline.
Comment: The DNMT1 c.1008G>A variant is not predicted to result in an amino acid change (p.=). This variant is at the last nucleotide residue of exon 13 and predicted to impact splicing based on splicing prediction programs (SpliceAI, Jaganathan et al. 2019. PubMed ID: 30661751). However, the use of computer prediction programs is not equivalent to functional evidence. This variant has been reported in an individual with developmental disorder (Suppl. Table 2, Abolhassani et al. 2024. PubMed ID: 38374194). This variant is reported in 0.0031% of alleles in individuals of European (Non-Finnish) descent in gnomAD. At this time, the clinical significance of this variant is uncertain due to the absence of conclusive functional and genetic evidence.

Labcorp Genetics (formerly Invitae), Labcorp
Classification: Uncertain significance for Hereditary sensory neuropathy-deafness-dementia syndrome. Last evaluated: 2023-11-02. Review status: criteria provided, single submitter. Criteria: Invitae Variant Classification Sherloc (09022015). Collection method: clinical testing. Allele origin: germline.
Comment: This sequence change affects codon 336 of the DNMT1 mRNA. It is a 'silent' change, meaning that it does not change the encoded amino acid sequence of the DNMT1 protein. This variant also falls at the last nucleotide of exon 13, which is part of the consensus splice site for this exon. This variant is present in population databases (rs750048459, gnomAD 0.003%). This variant has not been reported in the literature in individuals affected with DNMT1-related conditions. ClinVar contains an entry for this variant (Variation ID: 1061265). Variants that disrupt the consensus splice site are a relatively common cause of aberrant splicing (PMID: 17576681, 9536098). Algorithms developed to predict the effect of sequence changes on RNA splicing suggest that this variant may disrupt the consensus splice site. In summary, the available evidence is currently insufficient to determine the role of this variant in disease. Therefore, it has been classified as a Variant of Uncertain Significance.

Fulgent Genetics
Classification: Uncertain significance for Autosomal dominant cerebellar ataxia, deafness and narcolepsy; Hereditary sensory neuropathy-deafness-dementia syndrome. Last evaluated: 2021-07-22. Review status: criteria provided, single submitter. Criteria: ACMG Guidelines, 2015. Collection method: clinical testing. Allele origin: unknown.

Ambry Genetics
Classification: Uncertain significance for Inborn genetic diseases. Last evaluated: 2020-11-19. Review status: criteria provided, single submitter. Criteria: Ambry Variant Classification Scheme 2023. Collection method: clinical testing. Allele origin: germline.
Comment: The c.960G>A variant (also known as p.K320K), located in coding exon 12 of the DNMT1 gene, results from a G to A substitution at nucleotide position 960. This nucleotide substitution does not change the lysine at codon 320. This change occurs in the last base pair of coding exon 12, which makes it likely to have some effect on normal mRNA splicing, however, loss of function of DNMT1 has not been established as the mechanism of disease. This nucleotide position is well conserved in available vertebrate species. Since supporting evidence is limited at this time, the clinical significance of this alteration remains unclear.

Kariminejad - Najmabadi Pathology & Genetics Center
Classification: Uncertain significance. Last evaluated: 2018-05-28. Review status: criteria provided, single submitter. Criteria: ACMG Guidelines, 2015. Collection method: clinical testing. Allele origin: germline. Inheritance: Autosomal dominant inheritance. Affected: yes.
Comment: PM2?, PP3

Literature cited by the submitters: PubMed 17576681 (cited by Labcorp Genetics (formerly Invitae), Labcorp); PubMed 9536098 (cited by Labcorp Genetics (formerly Invitae), Labcorp).

NM_001130823.3(DNMT1):c.1008G>A (p.Lys336=)

Gene: DNMT1 (DNA methyltransferase 1; minus strand). Cytogenetic location: 19p13.2.
Variant type: single nucleotide variant.
Coding change: c.1008G>A on transcript NM_001130823.3 (MANE Select); coding-DNA position 1008, G replaced by A.
Protein change: p.Lys336=; no amino-acid change (lysine 336 retained).
Molecular consequence: synonymous variant.
Genome position (GRCh38, 1-based): chr19:10,162,667, C>T on the plus strand (G>A on the coding strand, the complement: DNMT1 is on the minus strand). VCF-style: chr19-10162667-C-T. GRCh37 (hg19) VCF-style: chr19-10273343-C-T.
Other names: c.960G>A, p.Lys320= (NM_001318730.2, NM_001379.4); c.645G>A, p.Lys215= (NM_001318731.2); c.1008G>A (NM_001130823.2).
Identifiers: ClinVar variation 1061265 (VCV001061265.12), dbSNP rs750048459, ClinGen allele CA9188495.